The following is an entry in ClinVar:

NM_000059.4(BRCA2):c.1436A>T (p.Asp479Val)

Gene: BRCA2 (BRCA2 DNA repair associated; plus strand). Cytogenetic location: 13q13.1.
Variant type: single nucleotide variant.
Coding change: c.1436A>T on transcript NM_000059.4 (MANE Select); coding-DNA position 1436, A replaced by T.
Protein change: p.Asp479Val; replaces aspartic acid 479 with valine.
Molecular consequence: missense variant.
Genome position (GRCh38, 1-based): chr13:32,332,914, A>T. VCF-style: chr13-32332914-A-T. GRCh37 (hg19) VCF-style: chr13-32907051-A-T.
Other names: c.1436A>T, p.Asp479Val (NM_001406719.1, NM_001406720.1, NM_001406721.1); short protein forms D479V.
Identifiers: ClinVar variation 1772621 (VCV001772621.4), dbSNP rs1555281910, ClinGen allele CA387764288.

ClinVar aggregate classification (germline): Conflicting classifications of pathogenicity. Review status: criteria provided, conflicting classifications (1 of 4 stars). 2 submissions from 2 submitters: Uncertain significance (1); Likely benign (1). Last evaluated 2023-03-23.

Conditions:
Hereditary cancer-predisposing syndrome. Also called: Hereditary Cancer Syndrome; Hereditary neoplastic syndrome; Neoplastic Syndromes, Hereditary; Tumor predisposition. Identifiers: Orphanet 140162, MedGen C0027672, MeSH D009386, MONDO:0015356.

Submissions (2):

University of Washington Department of Laboratory Medicine, University of Washington
Classification: Likely benign for Hereditary cancer-predisposing syndrome. Last evaluated: 2023-03-23. Review status: criteria provided, single submitter. Criteria: Dines et al. (Genet Med. 2020). Collection method: curation. Allele origin: germline.
Comment: Missense variant in a coldspot region where missense variants are very unlikely to be pathogenic (PMID:31911673).

BRCA2 exon 10 coldspot. Reclassification based on statistical prior probability.

Ambry Genetics
Classification: Uncertain significance for Hereditary cancer-predisposing syndrome. Last evaluated: 2017-10-12. Review status: criteria provided, single submitter. Criteria: Ambry Variant Classification Scheme 2023. Collection method: clinical testing. Allele origin: germline.
Comment: The p.D479V variant (also known as c.1436A>T), located in coding exon 9 of the BRCA2 gene, results from an A to T substitution at nucleotide position 1436. The aspartic acid at codon 479 is replaced by valine, an amino acid with highly dissimilar properties. This amino acid position is well conserved in available vertebrate species. In addition, the in silico prediction for this alteration is inconclusive. Since supporting evidence is limited at this time, the clinical significance of this alteration remains unclear.